The following is an entry in ClinVar:

NM_014946.4(SPAST):c.1325_1327del (p.Glu442del)

Gene: SPAST (spastin; plus strand). Cytogenetic location: 2p22.3.
Variant type: Deletion.
Coding change: c.1325_1327del on transcript NM_014946.4 (MANE Select); coding-DNA positions 1325 to 1327, 3 bases deleted (AAG; older notation c.1325_1327delAAG).
Protein change: p.Glu442del; deletes glutamic acid 442.
Molecular consequence: inframe deletion.
Genome position (GRCh38, 1-based): chr2:32,136,880-32,136,882, AAG deleted; deleting any 3 consecutive bases within chr2:32,136,879-32,136,882 gives the same sequence; the c. name uses the placement nearest the transcript's 3' end. VCF-style (leftmost placement, unchanged base first): chr2-32136878-TGAA-T. GRCh37 (hg19) VCF-style: chr2-32361947-TGAA-T.
Other names: c.1322_1324del, p.Glu441del (NM_001363823.2); c.1226_1228del, p.Glu409del (NM_001363875.2); c.1229_1231del, p.Glu410del (NM_001377959.1, NM_199436.2); short protein forms E409del, E441del, E410del, E442del.
Identifiers: ClinVar variation 4717613 (VCV004717613.1).

ClinVar aggregate classification (germline): Pathogenic (1 of 4 stars; one submission).

Conditions:
Hereditary spastic paraplegia 4. Also called: Familial spastic paraplegia autosomal dominant 2; Spastic paraplegia 4, autosomal dominant; Spastic Paraplegia 4. Identifiers: Orphanet 100985, MedGen C1866855, MONDO:0008438, OMIM 182601.

Submission:

Labcorp Genetics (formerly Invitae), Labcorp
Classification: Pathogenic for Hereditary spastic paraplegia 4. Last evaluated: 2025-04-17. Review status: criteria provided, single submitter. Criteria: Invitae Variant Classification Sherloc (09022015). Collection method: clinical testing. Allele origin: germline.
Comment: This variant, c.1325_1327del, results in the deletion of 1 amino acid(s) of the SPAST protein (p.Glu442del), but otherwise preserves the integrity of the reading frame. This variant is not present in population databases (gnomAD no frequency). This variant has not been reported in the literature in individuals affected with SPAST-related conditions. This variant disrupts a region of the SPAST protein in which other variant(s) (p.Glu442Lys) have been determined to be pathogenic (PMID: 16832076, 17957230, 31157359; internal data). This suggests that this is a clinically significant region of the protein, and that variants that disrupt it are likely to be disease-causing. For these reasons, this variant has been classified as Pathogenic.

Literature cited by the submitters: PubMed 16832076; PubMed 17957230; PubMed 31157359.